The following is an entry in ClinVar:

Conditions:
Arteriohepatic dysplasia. Also called: Alagille Syndrome. Identifiers: Orphanet 52, MedGen C0085280, MeSH D016738, MONDO:0007318.

Submission:

Gilbert/Spinner Lab, Children's Hospital of Philadelphia
No classification provided (evidence only). Condition: Alagille syndrome. Review status: no classification provided. Collection method: research. Allele origin: not applicable. Functional consequence: functionally_abnormal.
ClinVar note: "not provided" was previously submitted as the classification for the variant. However, the classification appeared to be based only on an observation of functional data so it was converted to no classification on 2025-07-30.

NM_000214.3(JAG1):c.542A>C (p.Tyr181Ser)

Gene: JAG1 (jagged canonical Notch ligand 1; minus strand). Cytogenetic location: 20p12.2.
Variant type: single nucleotide variant.
Coding change: c.542A>C on transcript NM_000214.3 (MANE Select); coding-DNA position 542, A replaced by C.
Protein change: p.Tyr181Ser; replaces tyrosine 181 with serine.
Molecular consequence: missense variant.
Genome position (GRCh38, 1-based): chr20:10,658,620, T>G on the plus strand (A>C on the coding strand, the complement: JAG1 is on the minus strand). VCF-style: chr20-10658620-T-G. GRCh37 (hg19) VCF-style: chr20-10639268-T-G.
Other names: short protein forms Y181S.
Identifiers: ClinVar variation 3573052 (VCV003573052.2).
Genomic context (GRCh38, chr20:10,658,620, plus strand): 5'-CGGCAGAACTTATTGCAGCCAAAGCCATAGTAGTAGTCATCACAGGTCACGCGGATCTGA[T>G]ACTCAAAGTGGGCAACGCCCGTGTTCTGCTTCAGCGTCTGCCACTGCCGGCTGGGGTTGA-3'
Protein context (NP_000205.1, residues 171-191): KQNTGVAHFE[Tyr181Ser]QIRVTCDDYY